The following is an entry in ClinVar:

NM_005359.6(SMAD4):c.689G>C (p.Gly230Ala)

Gene: SMAD4 (SMAD family member 4; plus strand). Cytogenetic location: 18q21.2.
Variant type: single nucleotide variant.
Coding change: c.689G>C on transcript NM_005359.6 (MANE Select); coding-DNA position 689, G replaced by C.
Protein change: p.Gly230Ala; replaces glycine 230 with alanine.
Molecular consequence: missense variant.
Genome position (GRCh38, 1-based): chr18:51,058,146, G>C. VCF-style: chr18-51058146-G-C. GRCh37 (hg19) VCF-style: chr18-48584516-G-C.
Other names: short protein forms G230A.
Identifiers: ClinVar variation 826688 (VCV000826688.14), dbSNP rs1599189454, ClinGen allele CA402462668.

ClinVar aggregate classification (germline): Conflicting classifications of pathogenicity. Review status: criteria provided, conflicting classifications (1 of 4 stars). 4 submissions from 4 submitters: Uncertain significance (3); Likely benign (1). Last evaluated 2025-11-25.

Conditions:
Hereditary cancer-predisposing syndrome. Also called: Neoplastic Syndromes, Hereditary; Hereditary Cancer Syndrome; Hereditary neoplastic syndrome; Tumor predisposition. Identifiers: Orphanet 140162, MedGen C0027672, MeSH D009386, MONDO:0015356.
Familial thoracic aortic aneurysm and aortic dissection (TAAD). Also called: Thoracic aortic aneurysms and dissections. Identifiers: Orphanet 91387, MedGen C4707243, MONDO:0019625.
Juvenile polyposis syndrome (JPS). Identifiers: Orphanet 2929, MedGen C0345893, MONDO:0017380, OMIM 174900.

Allele frequency attached by ClinVar (database versions not stated): gnomAD exomes below 0.00001.
gnomAD v4.1: 2 of 1,614,036 alleles (0.00012%); highest among the groups gnomAD compares: Non-Finnish European, 0.000085%; no homozygotes.

Submissions (4):

Women's Health and Genetics/Laboratory Corporation of America, LabCorp
Classification: Uncertain significance. Last evaluated: 2025-11-25. Review status: criteria provided, single submitter. Criteria: LabCorp Variant Classification Summary - May 2015. Collection method: clinical testing. Allele origin: germline.
Comment: Variant summary: SMAD4 c.689G>C (p.Gly230Ala) results in a non-conservative amino acid change in the encoded protein sequence. Algorithms developed to predict the effect of missense changes on protein structure and function are either unavailable or do not agree on the potential impact of this missense change. The variant was absent in 251350 control chromosomes. The available data on variant occurrences in the general population are insufficient to allow any conclusion about variant significance. To our knowledge, no occurrence of c.689G>C in individuals affected with SMAD4-related conditions has been reported. One publication reports experimental evidence evaluating an impact on protein function, however, does not allow convincing conclusions about the variant effect (Lee_2001). The following publications have been ascertained in the context of this evaluation (PMID: 34728552, 11745435). ClinVar contains an entry for this variant (Variation ID: 826688). Based on the evidence outlined above, the variant was classified as uncertain significance.

Labcorp Genetics (formerly Invitae), Labcorp
Classification: Uncertain significance for Juvenile polyposis syndrome. Last evaluated: 2025-07-22. Review status: criteria provided, single submitter. Criteria: Invitae Variant Classification Sherloc (09022015). Collection method: clinical testing. Allele origin: germline.
Comment: This sequence change replaces glycine, which is neutral and non-polar, with alanine, which is neutral and non-polar, at codon 230 of the SMAD4 protein (p.Gly230Ala). This variant is not present in population databases (gnomAD no frequency). This variant has not been reported in the literature in individuals affected with SMAD4-related conditions. ClinVar contains an entry for this variant (Variation ID: 826688). Invitae Evidence Modeling of protein sequence and biophysical properties (such as structural, functional, and spatial information, amino acid conservation, physicochemical variation, residue mobility, and thermodynamic stability) indicates that this missense variant is not expected to disrupt SMAD4 protein function with a negative predictive value of 95%. In summary, the available evidence is currently insufficient to determine the role of this variant in disease. Therefore, it has been classified as a Variant of Uncertain Significance.

GeneDx
Classification: Uncertain significance. Last evaluated: 2024-04-30. Review status: criteria provided, single submitter. Criteria: GeneDx Variant Classification Process June 2021. Collection method: clinical testing. Allele origin: germline. Affected: yes.
Comment: Not observed at significant frequency in large population cohorts (gnomAD); In silico analysis indicates that this missense variant does not alter protein structure/function; Has not been previously published as pathogenic or benign to our knowledge; This variant is associated with the following publications: (PMID: 15235019, 18823382, 22992590, 11745435)

Ambry Genetics
Classification: Likely benign for Hereditary cancer-predisposing syndrome; Familial thoracic aortic aneurysm and aortic dissection. Last evaluated: 2019-08-28. Review status: criteria provided, single submitter. Criteria: Ambry Variant Classification Scheme 2023. Collection method: clinical testing. Allele origin: germline.

Literature cited by the submitters: PubMed 34728552 (cited by Women's Health and Genetics/Laboratory Corporation of America, LabCorp); PubMed 11745435 (cited by Women's Health and Genetics/Laboratory Corporation of America, LabCorp).